The following is an entry in ClinVar:

NM_024301.5(FKRP):c.791G>C (p.Arg264Pro)

Gene: FKRP (fukutin related protein; plus strand). Cytogenetic location: 19q13.32.
Variant type: single nucleotide variant.
Coding change: c.791G>C on transcript NM_024301.5 (MANE Select); coding-DNA position 791, G replaced by C.
Protein change: p.Arg264Pro; replaces arginine 264 with proline.
Molecular consequence: missense variant.
Genome position (GRCh38, 1-based): chr19:46,756,241, G>C. VCF-style: chr19-46756241-G-C. GRCh37 (hg19) VCF-style: chr19-47259498-G-C.
Other names: c.791G>C, p.Arg264Pro (NM_001039885.3); short protein forms R264P.
Identifiers: ClinVar variation 2452477 (VCV002452477.2), dbSNP rs751263898, ClinGen allele CA406496023.

ClinVar aggregate classification (germline): Uncertain significance (1 of 4 stars; one submission).

Conditions:
Cardiovascular phenotype. Identifiers: MedGen CN230736.

Submission:

Ambry Genetics
Classification: Uncertain significance for Cardiovascular phenotype. Last evaluated: 2022-12-09. Review status: criteria provided, single submitter. Criteria: Ambry Variant Classification Scheme 2023. Collection method: clinical testing. Allele origin: germline.
Comment: The p.R264P variant (also known as c.791G>C), located in coding exon 1 of the FKRP gene, results from a G to C substitution at nucleotide position 791. The arginine at codon 264 is replaced by proline, an amino acid with dissimilar properties. This amino acid position is conserved. In addition, the in silico prediction for this alteration is inconclusive. Since supporting evidence is limited at this time, the clinical significance of this alteration remains unclear.